The following is an entry in ClinVar:

NM_004304.5(ALK):c.1295G>T (p.Gly432Val)

Gene: ALK (ALK receptor tyrosine kinase; minus strand). Cytogenetic location: 2p23.2.
Variant type: single nucleotide variant.
Coding change: c.1295G>T on transcript NM_004304.5 (MANE Select); coding-DNA position 1295, G replaced by T.
Protein change: p.Gly432Val; replaces glycine 432 with valine.
Molecular consequence: missense variant.
Genome position (GRCh38, 1-based): chr2:29,328,469, C>A on the plus strand (G>T on the coding strand, the complement: ALK is on the minus strand). VCF-style: chr2-29328469-C-A. GRCh37 (hg19) VCF-style: chr2-29551335-C-A.
Other names: short protein forms G432V.
Identifiers: ClinVar variation 1769196 (VCV001769196.4), dbSNP rs1667341157, ClinGen allele CA346474570.
Genomic context (GRCh38, chr2:29,328,469, plus strand): 5'-CCAAGCTGGAGGACTGTCCCATTCCAACAAGTGAAGGAGCTCTGCAGGGCCATCTTGGAG[C>A]CTGGGGATGTTCCTGGAGAGCACACAGACACACAACCATGGTAAGTTTGCATGGCCCCAG-3'
Protein context (NP_004295.2, residues 422-442): LKNCSEGTSP[Gly432Val]SKMALQSSFT

ClinVar aggregate classification (germline): Uncertain significance. Review status: criteria provided, multiple submitters, no conflicts (2 of 4 stars). 2 submissions from 2 submitters: Uncertain significance (2). Last evaluated 2024-03-01.

Conditions:
Hereditary cancer-predisposing syndrome. Also called: Tumor predisposition; Neoplastic Syndromes, Hereditary; Hereditary Cancer Syndrome; Hereditary neoplastic syndrome. Identifiers: Orphanet 140162, MedGen C0027672, MeSH D009386, MONDO:0015356.
Neuroblastoma, susceptibility to, 3. Also called: ALK-Related Neuroblastic Tumor Susceptibility. Identifiers: Orphanet 635, MedGen C2751681, MONDO:0013083, OMIM 613014.

Submissions (2):

Labcorp Genetics (formerly Invitae), Labcorp
Classification: Uncertain significance for Neuroblastoma, susceptibility to, 3. Last evaluated: 2024-03-01. Review status: criteria provided, single submitter. Criteria: Invitae Variant Classification Sherloc (09022015). Collection method: clinical testing. Allele origin: germline.
Comment: This sequence change replaces glycine, which is neutral and non-polar, with valine, which is neutral and non-polar, at codon 432 of the ALK protein (p.Gly432Val). This variant is not present in population databases (gnomAD no frequency). This variant has not been reported in the literature in individuals affected with ALK-related conditions. ClinVar contains an entry for this variant (Variation ID: 1769196). An algorithm developed to predict the effect of missense changes on protein structure and function (PolyPhen-2) suggests that this variant is likely to be tolerated. In summary, the available evidence is currently insufficient to determine the role of this variant in disease. Therefore, it has been classified as a Variant of Uncertain Significance.

Ambry Genetics
Classification: Uncertain significance for Hereditary cancer-predisposing syndrome. Last evaluated: 2022-03-19. Review status: criteria provided, single submitter. Criteria: Ambry Variant Classification Scheme 2023. Collection method: clinical testing. Allele origin: germline.
Comment: The p.G432V variant (also known as c.1295G>T), located in coding exon 6 of the ALK gene, results from a G to T substitution at nucleotide position 1295. The glycine at codon 432 is replaced by valine, an amino acid with dissimilar properties. This amino acid position is conserved. In addition, this alteration is predicted to be tolerated by in silico analysis. Since supporting evidence is limited at this time, the clinical significance of this alteration remains unclear.